The following is an entry in ClinVar:

NM_001080517.3(SETD5):c.3087T>G (p.Tyr1029Ter)

Gene: SETD5 (SET domain containing 5; plus strand). Cytogenetic location: 3p25.3.
Variant type: single nucleotide variant.
Coding change: c.3087T>G on transcript NM_001080517.3 (MANE Select); coding-DNA position 3087, T replaced by G.
Protein change: p.Tyr1029Ter; replaces tyrosine 1029 with a stop codon.
Molecular consequence: nonsense.
Genome position (GRCh38, 1-based): chr3:9,470,821, T>G. VCF-style: chr3-9470821-T-G. GRCh37 (hg19) VCF-style: chr3-9512505-T-G.
Other names: c.2793T>G, p.Tyr931Ter (NM_001292043.2, NM_001349451.2); short protein forms Y1029*, Y931*.
Identifiers: ClinVar variation 3772509 (VCV003772509.13).

ClinVar aggregate classification (germline): Pathogenic (1 of 4 stars; one submission).

Submission:

CeGaT Center for Human Genetics Tuebingen
Classification: Pathogenic. Last evaluated: 2025-02-01. Review status: criteria provided, single submitter. Criteria: CeGaT Center For Human Genetics Tuebingen Variant Classification Criteria Version 2. Collection method: clinical testing. Allele origin: germline. Affected: yes. Observed: 1 variant allele.
Comment: SETD5: PVS1, PM2